The following is an entry in ClinVar:

ClinVar aggregate classification (germline): Conflicting classifications of pathogenicity. Review status: criteria provided, conflicting classifications (1 of 4 stars). 3 submissions from 3 submitters: Likely pathogenic (1); Uncertain significance (1). 1 of the submissions does not count toward it. Last evaluated 2026-06-16.

Conditions:
Mucopolysaccharidosis, MPS-III-A (MPS3A). Also called: HEPARAN SULFATE SULFATASE DEFICIENCY; SANFILIPPO SYNDROME A; SULFAMIDASE DEFICIENCY; MPS III A; Mucopolysaccharidosis, type IIIA; MPS IIIA (Sanfilippo Syndrome Type A). Identifiers: Orphanet 581, Orphanet 79269, MedGen C0086647, MONDO:0009655, OMIM 252900.

Submissions (3):

Women's Health and Genetics/Laboratory Corporation of America, LabCorp
Classification: Uncertain significance. Last evaluated: 2026-06-16. Review status: criteria provided, single submitter. Criteria: LabCorp Variant Classification Summary - May 2015. Collection method: clinical testing. Allele origin: germline.
Comment: Variant summary: SGSH c.1195G>C (p.Asp399His) results in a non-conservative amino acid change in the encoded protein sequence. Algorithms developed to predict the effect of missense changes on protein structure and function all suggest that this variant is likely to be disruptive. The variant was absent in 251014 control chromosomes. To our knowledge, no occurrence of c.1195G>C in individuals affected with SGSH-related conditions and no experimental evidence demonstrating its impact on protein function have been reported. Internally validated machine learning-based Evidence Modeling of protein sequence and biophysical properties (such as structural, functional, and spatial information, amino acid conservation, physicochemical variation, residue mobility, and thermodynamic stability) indicates that this missense variant is expected to disrupt protein function with a positive predictive value of at least 95%. ClinVar contains an entry for this variant (Variation ID: 4061361). Based on the evidence outlined above, the variant was classified as VUS-possibly pathogenic.

Labcorp Genetics (formerly Invitae), Labcorp
Classification: Likely pathogenic for Mucopolysaccharidosis, MPS-III-A. Last evaluated: 2025-12-16. Review status: criteria provided, single submitter. Criteria: Invitae Variant Classification Sherloc (09022015). Collection method: clinical testing. Allele origin: germline.
Comment: This sequence change replaces aspartic acid, which is acidic and polar, with histidine, which is basic and polar, at codon 399 of the SGSH protein (p.Asp399His). This variant is not present in population databases (gnomAD no frequency). This variant has not been reported in the literature in individuals affected with SGSH-related conditions. ClinVar contains an entry for this variant (Variation ID: 4061361). Invitae Evidence Modeling of protein sequence and biophysical properties (such as structural, functional, and spatial information, amino acid conservation, physicochemical variation, residue mobility, and thermodynamic stability) indicates that this missense variant is expected to disrupt SGSH protein function with a positive predictive value of 95%. This variant disrupts the p.Asp399 amino acid residue in SGSH. Other variant(s) that disrupt this residue have been determined to be pathogenic (internal data). This suggests that this residue is clinically significant, and that variants that disrupt this residue are likely to be disease-causing. In summary, the currently available evidence indicates that the variant is pathogenic, but additional data are needed to prove that conclusively. Therefore, this variant has been classified as Likely Pathogenic.

Natera, Inc.
Classification: Uncertain significance for Mucopolysaccharidosis type IIIA. Last evaluated: 2025-04-06. Review status: no assertion criteria provided. Collection method: clinical testing. Allele origin: germline. Not counted in ClinVar's aggregate classification.

NM_000199.5(SGSH):c.1195G>C (p.Asp399His)

Gene: SGSH (N-sulfoglucosamine sulfohydrolase; minus strand). Cytogenetic location: 17q25.3.
Variant type: single nucleotide variant.
Coding change: c.1195G>C on transcript NM_000199.5 (MANE Select); coding-DNA position 1195, G replaced by C.
Protein change: p.Asp399His; replaces aspartic acid 399 with histidine.
Molecular consequence: missense variant. On other transcripts: 3 prime UTR variant (2), non-coding transcript variant (1).
Genome position (GRCh38, 1-based): chr17:80,210,766, C>G on the plus strand (G>C on the coding strand, the complement: SGSH is on the minus strand). VCF-style: chr17-80210766-C-G. GRCh37 (hg19) VCF-style: chr17-78184565-C-G.
Other names: c.*282G>C (NM_001352921.3); c.*245G>C (NM_001352922.2); short protein forms D399H.
Identifiers: ClinVar variation 4061361 (VCV004061361.3).
Genomic context (GRCh38, chr17:80,210,766, plus strand): 5'-GACCAGCTGTGGTGCGGTTCAGGAGGTCCTGGAAGGTGGGTGAGACGTAGAAGTCCTGGT[C>G]GATGGGAAAGGGCATCTTGAAGTTGAGGTTGTGCACGAGGCGGAAGTGCCGGTGCTGCAC-3'
Protein context (NP_000190.1, residues 389-409): NLNFKMPFPI[Asp399His]QDFYVSPTFQ